The following is an entry in ClinVar:

ClinVar aggregate classification (germline): Uncertain significance (1 of 4 stars; one submission).

Submission:

GeneDx
Classification: Uncertain significance. Last evaluated: 2021-06-03. Review status: criteria provided, single submitter. Criteria: GeneDx Variant Classification Process June 2021. Collection method: clinical testing. Allele origin: germline. Affected: yes.
Comment: Not observed at significant frequency in large population cohorts (Lek et al., 2016); Canonical splice site variant in a gene for which loss-of-function is not a known mechanism of disease; Has not been previously published as pathogenic or benign to our knowledge; This variant is associated with the following publications: (PMID: 27535533)

NM_004408.4(DNM1):c.386-1G>A

Genes: DNM1 (dynamin 1; plus strand), LOC113839516 (Sharpr-MPRA regulatory region 8497; plus strand). Cytogenetic location: 9q34.11.
Variant type: single nucleotide variant.
Coding change: c.386-1G>A on transcript NM_004408.4 (MANE Select); the canonical splice acceptor site of the intron before coding-DNA position 386, G replaced by A.
Molecular consequence: splice acceptor variant.
Genome position (GRCh38, 1-based): chr9:128,219,048, G>A. VCF-style: chr9-128219048-G-A. GRCh37 (hg19) VCF-style: chr9-130981327-G-A.
Other names: c.386-1G>A (NM_001005336.3, NM_001374269.1, NM_001288738.2 and 2 more transcripts).
Identifiers: ClinVar variation 1327338 (VCV001327338.2), dbSNP rs2131152620, ClinGen allele CA375010865.
Genomic context (GRCh38, chr9:128,219,048, plus strand): 5'-TTTAACCTCGCCCGCGGCCACGCCCCTCGCCTTGAGCCCGCCCTCTCGCCGCCCTGTCCA[G>A]TGCTGAACCTGACCCTGGTGGACCTGCCCGGAATGACCAAGGTCCCGGTGGGGGACCAAC-3'